The following is an entry in ClinVar:

NM_000089.4(COL1A2):c.2819G>T (p.Gly940Val)

Gene: COL1A2 (collagen type I alpha 2 chain; plus strand). Cytogenetic location: 7q21.3.
Variant type: single nucleotide variant.
Coding change: c.2819G>T on transcript NM_000089.4 (MANE Select); coding-DNA position 2819, G replaced by T.
Protein change: p.Gly940Val; replaces glycine 940 with valine.
Molecular consequence: missense variant.
Genome position (GRCh38, 1-based): chr7:94,425,647, G>T. VCF-style: chr7-94425647-G-T. GRCh37 (hg19) VCF-style: chr7-94054959-G-T.
Other names: c.2819G>T (NM_000089.3); short protein forms G940V.
Identifiers: ClinVar variation 988398 (VCV000988398.8), dbSNP rs1792257312, ClinGen allele CA368224683.

ClinVar aggregate classification (germline): Pathogenic. Review status: criteria provided, multiple submitters, no conflicts (2 of 4 stars). 4 submissions from 4 submitters: Pathogenic (4). Last evaluated 2025-07-16.

Conditions:
Osteogenesis imperfecta type I (OI1). Also called: OI, TYPE I; OSTEOGENESIS IMPERFECTA TARDA; OSTEOGENESIS IMPERFECTA WITH BLUE SCLERAE; Osteogenesis imperfecta type 1; Classic Non-deforming Osteogenesis Imperfecta with Blue Sclerae; Lobstein's Disease. Identifiers: Orphanet 216796, Orphanet 666, MedGen C0023931, MONDO:0008146, OMIM 166200. Disease mechanism: loss of function.
Ehlers-Danlos syndrome, classic type, 1 (EDSCL1). Also called: EHLERS-DANLOS SYNDROME, GRAVIS TYPE; EHLERS-DANLOS SYNDROME, SEVERE CLASSIC TYPE; EDS I; Ehlers-Danlos Syndrome, Classic Type, COL5A1-Related; Ehlers-Danlos syndrome, type 1. Identifiers: MedGen C0268335, MONDO:0019567, OMIM 130000.
Osteogenesis imperfecta type III (OI3). Also called: Progressively Deforming Osteogenesis Imperfecta; Osteogenesis imperfecta type 3; OI type 3; Osteogenesis imperfecta, progressively deforming with normal sclerae; OI type III. Identifiers: Orphanet 216812, Orphanet 666, MedGen C0268362, MONDO:0009804, OMIM 259420.

Submissions (4):

Clinical Biomedical Laboratory, Shriners Hospital For Children - Canada
Classification: Pathogenic for Osteogenesis imperfecta type III. Last evaluated: 2025-07-16. Review status: criteria provided, single submitter. Criteria: ACMG Guidelines, 2015. Collection method: clinical testing. Allele origin: germline. Affected: yes.
Comment: This variant is predicted to substitute a glycine residue by a valine residue in the alpha 1 chain of collagen type I. Glycine substitutions in the triple helical domain of collagen type I cause disruption in the formation of the triple helix in the collagen molecule and are a typical cause of osteogenesis imperfecta, which is the clinical diagnosis of the proband. This variant is absent from the Genome Aggregation Database (v2.1.1). This variant has been reported in the literature (PMID 27509835).

GeneDx
Classification: Pathogenic. Last evaluated: 2023-07-17. Review status: criteria provided, single submitter. Criteria: GeneDx Variant Classification Process June 2021. Collection method: clinical testing. Allele origin: germline. Affected: yes.
Comment: Reported heterozygous in a patient reported to have OI type III. No additional clinical information was provided (Bardai et al., 2016) Bardai G et al. (2016) Osteoporos Int 27 (12):3607-3613 (PMID: 27509835); Occurs in the triple helical domain and replaces a glycine in a canonical Gly-X-Y repeat; missense substitution of a canonical glycine residue is expected to disrupt normal protein folding and function, and this is an established mechanism of disease (Jovanovic et al., 2021); Not observed at significant frequency in large population cohorts (gnomAD); In silico analysis supports that this missense variant has a deleterious effect on protein structure/function; This variant is associated with the following publications: (PMID: 27509835, 33726816, 34007986)

Labcorp Genetics (formerly Invitae), Labcorp
Classification: Pathogenic for Osteogenesis imperfecta type I; Ehlers-Danlos syndrome, classic type, 1. Last evaluated: 2022-06-14. Review status: criteria provided, single submitter. Criteria: Invitae Variant Classification Sherloc (09022015). Collection method: clinical testing. Allele origin: germline.
Comment: For these reasons, this variant has been classified as Pathogenic. This variant disrupts the triple helix domain of COL1A2. Glycine residues within the Gly-Xaa-Yaa repeats of the triple helix domain are required for the structure and stability of fibrillar collagens (PMID: 7695699, 8218237, 19344236). In COL1A2, variants affecting these glycine residues are significantly enriched in individuals with disease (PMID: 9016532, 17078022) compared to the general population (ExAC). Advanced modeling of protein sequence and biophysical properties (such as structural, functional, and spatial information, amino acid conservation, physicochemical variation, residue mobility, and thermodynamic stability) performed at Invitae indicates that this missense variant is expected to disrupt COL1A2 protein function. ClinVar contains an entry for this variant (Variation ID: 988398). This missense change has been observed in individual(s) with osteogenesis imperfecta (PMID: 27509835). This variant is not present in population databases (gnomAD no frequency). This sequence change replaces glycine, which is neutral and non-polar, with valine, which is neutral and non-polar, at codon 940 of the COL1A2 protein (p.Gly940Val).

Clinical Genetics and Genomics, Karolinska University Hospital
Classification: Pathogenic. Last evaluated: 2019-04-02. Review status: criteria provided, single submitter. Criteria: ACMG Guidelines, 2015. Collection method: clinical testing. Allele origin: germline. Affected: yes. Observed: 1 variant allele.

Literature cited by the submitters: PubMed 27509835 (cited by Clinical Biomedical Laboratory, Shriners Hospital For Children - Canada and Labcorp Genetics (formerly Invitae), Labcorp); PubMed 7695699 (cited by Labcorp Genetics (formerly Invitae), Labcorp); PubMed 8218237 (cited by Labcorp Genetics (formerly Invitae), Labcorp); PubMed 19344236 (cited by Labcorp Genetics (formerly Invitae), Labcorp); PubMed 9016532 (cited by Labcorp Genetics (formerly Invitae), Labcorp); PubMed 17078022 (cited by Labcorp Genetics (formerly Invitae), Labcorp).